The following is an entry in ClinVar:

NM_000179.3(MSH6):c.3896G>T (p.Gly1299Val)

Gene: MSH6 (mutS homolog 6; plus strand). Cytogenetic location: 2p16.3.
Variant type: single nucleotide variant.
Coding change: c.3896G>T on transcript NM_000179.3 (MANE Select); coding-DNA position 3896, G replaced by T.
Protein change: p.Gly1299Val; replaces glycine 1299 with valine.
Molecular consequence: missense variant.
Genome position (GRCh38, 1-based): chr2:47,806,546, G>T. VCF-style: chr2-47806546-G-T. GRCh37 (hg19) VCF-style: chr2-48033685-G-T.
Other names: c.3506G>T, p.Gly1169Val (NM_001281492.2); c.2990G>T, p.Gly997Val (NM_001281493.2, NM_001281494.2, NM_001406814.1 and 6 more transcripts); c.3992G>T, p.Gly1331Val (NM_001406795.1); c.3896G>T, p.Gly1299Val (NM_001406796.1, NM_001406808.1, NM_001406809.1); c.3599G>T, p.Gly1200Val (NM_001406797.1, NM_001406801.1, NM_001406818.1 and 10 more transcripts); c.3722G>T, p.Gly1241Val (NM_001406798.1); c.3371G>T, p.Gly1124Val (NM_001406799.1, NM_001406806.1, NM_001406807.1); c.3883G>T, p.Ala1295Ser (NM_001406800.1); and 8 more; short protein forms G1299V, G248V, G614V, G1011V, G1169V, G1273V, G226V, G777V.
Identifiers: ClinVar variation 1735945 (VCV001735945.2), dbSNP rs2104559029, ClinGen allele CA346761412.

ClinVar aggregate classification (germline): Uncertain significance (1 of 4 stars; one submission).

Conditions:
Hereditary cancer-predisposing syndrome. Also called: Neoplastic Syndromes, Hereditary; Tumor predisposition; Hereditary Cancer Syndrome; Hereditary neoplastic syndrome. Identifiers: Orphanet 140162, MedGen C0027672, MeSH D009386, MONDO:0015356.

Submission:

Ambry Genetics
Classification: Uncertain significance for Hereditary cancer-predisposing syndrome. Last evaluated: 2019-07-08. Review status: criteria provided, single submitter. Criteria: Ambry Variant Classification Scheme 2023. Collection method: clinical testing. Allele origin: germline.
Comment: The p.G1299V variant (also known as c.3896G>T), located in coding exon 9 of the MSH6 gene, results from a G to T substitution at nucleotide position 3896. The glycine at codon 1299 is replaced by valine, an amino acid with dissimilar properties. This amino acid position is highly conserved in available vertebrate species. In addition, this alteration is predicted to be deleterious by in silico analysis. Since supporting evidence is limited at this time, the clinical significance of this alteration remains unclear.